The following is an entry in ClinVar:

ClinVar aggregate classification (germline): Pathogenic (1 of 4 stars; one submission).

Submission:

Institute for Clinical Genetics, University Hospital TU Dresden, University Hospital TU Dresden
Classification: Pathogenic. Last evaluated: 2022-04-07. Review status: criteria provided, single submitter. Criteria: ACMG Guidelines, 2015. Collection method: clinical testing. Allele origin: de novo.
Comment: PVS1, PS2, PM2_SUP

NM_001079668.3(NKX2-1):c.319C>T (p.Gln107Ter)

Genes: NKX2-1 (NK2 homeobox 1; minus strand), SFTA3 (surfactant associated 3; minus strand). Cytogenetic location: 14q13.3.
Variant type: single nucleotide variant.
Coding change: c.319C>T on transcript NM_001079668.3 (MANE Select); coding-DNA position 319, C replaced by T.
Protein change: p.Gln107Ter; replaces glutamine 107 with a stop codon.
Molecular consequence: nonsense.
Genome position (GRCh38, 1-based): chr14:36,519,129, G>A on the plus strand (C>T on the coding strand, the complement: NKX2-1 is on the minus strand). VCF-style: chr14-36519129-G-A. GRCh37 (hg19) VCF-style: chr14-36988334-G-A.
Other names: c.229C>T, p.Gln77Ter (NM_003317.4); short protein forms Q107*, Q77*.
Identifiers: ClinVar variation 2576182 (VCV002576182.1), dbSNP rs1052071927, ClinGen allele CA389460831.